The following is an entry in ClinVar:

NM_032575.3(GLIS2):c.*2C>T

Gene: GLIS2 (GLIS family zinc finger 2; plus strand). Cytogenetic location: 16p13.3.
Variant type: single nucleotide variant.
Coding change: c.*2C>T on transcript NM_032575.3 (MANE Select); 2 bases downstream of the stop codon, C replaced by T.
Molecular consequence: 3 prime UTR variant.
Genome position (GRCh38, 1-based): chr16:4,337,526, C>T. VCF-style: chr16-4337526-C-T. GRCh37 (hg19) VCF-style: chr16-4387527-C-T.
Other names: c.*2C>T (NM_001318918.2).
Identifiers: ClinVar variation 319227 (VCV000319227.6), dbSNP rs144489623, ClinGen allele CA7873300.

ClinVar aggregate classification (germline): Conflicting classifications of pathogenicity. Review status: criteria provided, conflicting classifications (1 of 4 stars). 2 submissions from 2 submitters: Uncertain significance (1); Likely benign (1). Last evaluated 2024-10-10.

Conditions:
Nephronophthisis 7 (NPHP7). Identifiers: Orphanet 655, MedGen C1969092, MONDO:0012680, OMIM 611498.
GLIS2-related disorder. Also called: GLIS2-related condition.

Allele frequency attached by ClinVar (database versions not stated): gnomAD exomes 0.00003 and 0.00010; ESP Exome Variant Server 0.00024; 1000 Genomes Project 30x 0.00031; ExAC 0.00033; 1000 Genomes Project 0.00040; gnomAD 0.00052 and 0.00056; TOPMed 0.00060.
gnomAD v4.1: 127 of 1,554,036 alleles (0.0082%); highest among the groups gnomAD compares: African/African-American, 0.16%; no homozygotes.

Submissions (2):

PreventionGenetics, part of Exact Sciences
Classification: Likely benign for GLIS2-related condition. Last evaluated: 2024-10-10. Review status: criteria provided, single submitter. Criteria: ACMG Guidelines, 2015. Collection method: clinical testing. Allele origin: germline.
Comment: This variant is classified as likely benign based on ACMG/AMP sequence variant interpretation guidelines (Richards et al. 2015 PMID: 25741868, with internal and published modifications).

Illumina Laboratory Services, Illumina
Classification: Uncertain significance for Nephronophthisis 7. Last evaluated: 2018-01-12. Review status: criteria provided, single submitter. Criteria: ICSL Variant Classification Criteria 13 December 2019. Collection method: clinical testing. Allele origin: germline.